The following is an entry in ClinVar:

NM_032043.3(BRIP1):c.1702A>T (p.Asn568Tyr)

Gene: BRIP1 (BRCA1 interacting DNA helicase 1; minus strand). Cytogenetic location: 17q23.2.
Variant type: single nucleotide variant.
Coding change: c.1702A>T on transcript NM_032043.3 (MANE Select); coding-DNA position 1702, A replaced by T.
Protein change: p.Asn568Tyr; replaces asparagine 568 with tyrosine.
Molecular consequence: missense variant.
Genome position (GRCh38, 1-based): chr17:61,780,932, T>A on the plus strand (A>T on the coding strand, the complement: BRIP1 is on the minus strand). VCF-style: chr17-61780932-T-A. GRCh37 (hg19) VCF-style: chr17-59858293-T-A.
Other names: short protein forms N568Y.
Identifiers: ClinVar variation 1463603 (VCV001463603.8), dbSNP rs2077609583, ClinGen allele CA400480428.

ClinVar aggregate classification (germline): Uncertain significance. Review status: criteria provided, multiple submitters, no conflicts (2 of 4 stars). 2 submissions from 2 submitters: Uncertain significance (2). Last evaluated 2024-03-16.

Conditions:
Familial cancer of breast. Also called: Hereditary breast cancer; BREAST CANCER, FAMILIAL; hereditary breast carcinoma. Identifiers: Orphanet 227535, MedGen C0346153, MONDO:0016419, OMIM 114480. Disease mechanism: loss of function.
Fanconi anemia complementation group J. Also called: BRIP1-Related Fanconi Anemia. Identifiers: Orphanet 84, MedGen C1836860, MONDO:0012187, OMIM 609054.
Hereditary cancer-predisposing syndrome. Also called: Neoplastic Syndromes, Hereditary; Hereditary Cancer Syndrome; Tumor predisposition; Hereditary neoplastic syndrome. Identifiers: Orphanet 140162, MedGen C0027672, MeSH D009386, MONDO:0015356.

Allele frequency attached by ClinVar (database versions not stated): TOPMed below 0.00001.

Submissions (2):

Labcorp Genetics (formerly Invitae), Labcorp
Classification: Uncertain significance for Familial cancer of breast; Fanconi anemia complementation group J. Last evaluated: 2024-03-16. Review status: criteria provided, single submitter. Criteria: Invitae Variant Classification Sherloc (09022015). Collection method: clinical testing. Allele origin: germline.
Comment: This sequence change replaces asparagine, which is neutral and polar, with tyrosine, which is neutral and polar, at codon 568 of the BRIP1 protein (p.Asn568Tyr). This variant is not present in population databases (gnomAD no frequency). This variant has not been reported in the literature in individuals affected with BRIP1-related conditions. ClinVar contains an entry for this variant (Variation ID: 1463603). Advanced modeling of protein sequence and biophysical properties (such as structural, functional, and spatial information, amino acid conservation, physicochemical variation, residue mobility, and thermodynamic stability) performed at Invitae indicates that this missense variant is not expected to disrupt BRIP1 protein function with a negative predictive value of 80%. In summary, the available evidence is currently insufficient to determine the role of this variant in disease. Therefore, it has been classified as a Variant of Uncertain Significance.

Ambry Genetics
Classification: Uncertain significance for Hereditary cancer-predisposing syndrome. Last evaluated: 2020-05-15. Review status: criteria provided, single submitter. Criteria: Ambry Variant Classification Scheme 2023. Collection method: clinical testing. Allele origin: germline.
Comment: The p.N568Y variant (also known as c.1702A>T), located in coding exon 11 of the BRIP1 gene, results from an A to T substitution at nucleotide position 1702. The asparagine at codon 568 is replaced by tyrosine, an amino acid with dissimilar properties. This amino acid position is not well conserved in available vertebrate species. In addition, this alteration is predicted to be tolerated by in silico analysis. Since supporting evidence is limited at this time, the clinical significance of this alteration remains unclear.